The following is an entry in ClinVar:

ClinVar aggregate classification (germline): Benign. Review status: criteria provided, multiple submitters, no conflicts (2 of 4 stars). 3 submissions from 3 submitters: Benign (3). Last evaluated 2021-07-14.

Conditions:
Long QT syndrome 16. Identifiers: MedGen C5394068, MONDO:0032915, OMIM 618782.

Allele frequency attached by ClinVar (database versions not stated): gnomAD exomes 0.71326; ESP Exome Variant Server 0.75077; gnomAD 0.76680 and 0.77012; TOPMed 0.78245; 1000 Genomes Project 0.84305; 1000 Genomes Project 30x 0.84494.
gnomAD v4.1: 1,082,296 of 1,503,128 alleles (72%); highest among the groups gnomAD compares: East Asian, 94%; 393,487 homozygotes.

Submissions (3):

Genome-Nilou Lab
Classification: Benign for Long QT syndrome 16. Last evaluated: 2021-07-14. Review status: criteria provided, single submitter. Criteria: ACMG Guidelines, 2015. Collection method: clinical testing. Allele origin: germline. Affected: no.

GeneDx
Classification: Benign. Last evaluated: 2018-06-14. Review status: criteria provided, single submitter. Criteria: GeneDx Variant Classification (06012015). Collection method: clinical testing. Allele origin: germline. Affected: yes.
Comment: This variant is considered likely benign or benign based on one or more of the following criteria: it is a conservative change, it occurs at a poorly conserved position in the protein, it is predicted to be benign by multiple in silico algorithms, and/or has population frequency not consistent with disease.

Breakthrough Genomics
Classification: Benign. Review status: criteria provided, single submitter. Criteria: ACMG Guidelines, 2015. Collection method: not provided. Allele origin: germline. Inheritance: Autosomal dominant inheritance. Affected: yes.

NM_005184.4(CALM3):c.4-73T>C

Gene: CALM3 (calmodulin 3; plus strand). Cytogenetic location: 19q13.32.
Variant type: single nucleotide variant.
Coding change: c.4-73T>C on transcript NM_005184.4 (MANE Select); 73 bases into the intron before coding-DNA position 4, T replaced by C.
Molecular consequence: intron variant.
Genome position (GRCh38, 1-based): chr19:46,605,754, T>C. VCF-style: chr19-46605754-T-C. GRCh37 (hg19) VCF-style: chr19-47109011-T-C.
Other names: c.-105-73T>C (NM_001329921.1, NM_001329923.1); c.-103-73T>C (NM_001329924.2); c.-97-73T>C (NM_001329926.2); c.-74-2443T>C (NM_001329925.2); c.4-73T>C (NM_001329922.1).
Identifiers: ClinVar variation 678453 (VCV000678453.5), dbSNP rs3729510, ClinGen allele CA14703971.
Genomic context (GRCh38, chr19:46,605,754, plus strand): 5'-CATGCTCCTCCCTGGCCCGGCGGGAATGGCACGTGGAGCTGGCCTCACTGGGGCCGAGGG[T>C]CTGGGCTGAGTGAGGAAGATGCGTCCGTGCTGTCCGGCCTGGTGACTGACTTTCCCCTTC-3'